The following is an entry in ClinVar:

NM_002386.4(MC1R):c.874A>G (p.Ile292Val)

Gene: MC1R (melanocortin 1 receptor; plus strand). Cytogenetic location: 16q24.3.
Variant type: single nucleotide variant.
Coding change: c.874A>G on transcript NM_002386.4 (MANE Select); coding-DNA position 874, A replaced by G.
Protein change: p.Ile292Val; replaces isoleucine 292 with valine.
Molecular consequence: missense variant.
Genome position (GRCh38, 1-based): chr16:89,920,132, A>G. VCF-style: chr16-89920132-A-G. GRCh37 (hg19) VCF-style: chr16-89986540-A-G.
Other names: short protein forms I292V.
Identifiers: ClinVar variation 4052386 (VCV004052386.1).

ClinVar aggregate classification (germline): Uncertain significance (1 of 4 stars; one submission).

gnomAD v4.1: 9 of 1,613,848 alleles (0.00056%); highest among the groups gnomAD compares: African/African-American, 0.0053%; no homozygotes.

Submission:

Ambry Genetics
Classification: Uncertain significance. Last evaluated: 2025-03-16. Review status: criteria provided, single submitter. Criteria: Ambry Variant Classification Scheme 2023. Collection method: clinical testing. Allele origin: germline.
Comment: The p.I292V variant (also known as c.874A>G), located in coding exon 1 of the MC1R gene, results from an A to G substitution at nucleotide position 874. The isoleucine at codon 292 is replaced by valine, an amino acid with highly similar properties. This amino acid position is conserved. In addition, this alteration is predicted to be tolerated by in silico analysis. Based on the available evidence, the clinical significance of this variant remains unclear.